The following is an entry in ClinVar:

NC_000006.12:g.(?_10875891)_(10881865_?)del

Gene: GCM2 (glial cells missing transcription factor 2; minus strand). Cytogenetic location: 6p24.2.
Variant type: Deletion.
Identifiers: ClinVar variation 433163 (VCV000433163.3).

ClinVar aggregate classification (germline): Pathogenic (1 of 4 stars; one submission).

Submission:

Molecular Diagnostics Lab, Nemours Children's Health, Delaware
Classification: Pathogenic. Last evaluated: 2016-01-04. Review status: criteria provided, single submitter. Criteria: ACMG Guidelines, 2015. Collection method: clinical testing. Allele origin: inherited. Affected: yes. Observed: 1 homozygote.
Comment: homozygous deletion of exons 1-4 (breakpoints unknown)

Literature cited by the submitters: PubMed 11602629.